The following is an entry in ClinVar:

ClinVar aggregate classification (germline): Uncertain significance (1 of 4 stars; one submission).

Submission:

Labcorp Genetics (formerly Invitae), Labcorp
Classification: Uncertain significance. Last evaluated: 2022-08-20. Review status: criteria provided, single submitter. Criteria: Invitae Variant Classification Sherloc (09022015). Collection method: clinical testing. Allele origin: germline.
Comment: In summary, the available evidence is currently insufficient to determine the role of this variant in disease. Therefore, it has been classified as a Variant of Uncertain Significance. Variants that disrupt the consensus splice site are a relatively common cause of aberrant splicing (PMID: 17576681, 9536098). Algorithms developed to predict the effect of sequence changes on RNA splicing suggest that this variant may disrupt the consensus splice site. This variant has not been reported in the literature in individuals affected with IL6R-related conditions. This variant is present in population databases (rs776761423, gnomAD 0.003%). This sequence change falls in intron 4 of the IL6R gene. It does not directly change the encoded amino acid sequence of the IL6R protein. It affects a nucleotide within the consensus splice site.

Literature cited by the submitters: PubMed 17576681; PubMed 9536098.

NM_000565.4(IL6R):c.640+4_640+7del

Gene: IL6R (interleukin 6 receptor; plus strand). Cytogenetic location: 1q21.3.
Variant type: Deletion.
Coding change: c.640+4_640+7del on transcript NM_000565.4 (MANE Select); bases 4 to 7 of the intron after coding-DNA position 640, 4 bases deleted (CGTA; older notation c.640+4_640+7delCGTA).
Molecular consequence: splice donor variant.
Genome position (GRCh38, 1-based): chr1:154,434,704-154,434,707, CGTA deleted; deleting any 4 consecutive bases within chr1:154,434,701-154,434,707 gives the same sequence; the c. name uses the placement nearest the transcript's 3' end. VCF-style (leftmost placement, unchanged base first): chr1-154434700-TGTAC-T. GRCh37 (hg19) VCF-style: chr1-154407176-TGTAC-T.
Other names: c.640+4_640+7del (NM_001382771.1, NM_001382773.1, NM_001382770.1 and 4 more transcripts); c.280+4_280+7del (NM_001382774.1).
Identifiers: ClinVar variation 1921147 (VCV001921147.4), dbSNP rs776761423, ClinGen allele CA1129069.
Genomic context (GRCh38, chr1:154,434,700, plus strand): 5'-GTCGCCAGTAGTGTCGGGAGCAAGTTCAGCAAAACTCAAACCTTTCAGGGTTGTGGAATC[TGTAC>T]GTAAGCTCTAACCCCCTCTCCAGCAGTTTCCTTCTCTTTTGATTTAATACTCCTTATCGA-3'